The following is an entry in ClinVar:

ClinVar aggregate classification (germline): Uncertain significance (1 of 4 stars; one submission).

Allele frequency attached by ClinVar (database versions not stated): gnomAD 0.00001 and 0.00002; TOPMed 0.00001; gnomAD exomes 0.00002.
gnomAD v4.1: 36 of 1,613,712 alleles (0.0022%); highest among the groups gnomAD compares: Non-Finnish European, 0.0027%; no homozygotes.

Submission:

GeneDx
Classification: Uncertain significance. Last evaluated: 2022-09-09. Review status: criteria provided, single submitter. Criteria: GeneDx Variant Classification Process June 2021. Collection method: clinical testing. Allele origin: germline. Affected: yes.
Comment: Not observed at significant frequency in large population cohorts (gnomAD); In silico analysis supports that this missense variant does not alter protein structure/function; Has not been previously published as pathogenic or benign to our knowledge

NM_003922.4(HERC1):c.2116A>G (p.Ile706Val)

Gene: HERC1 (HECT and RLD domain containing E3 ubiquitin protein ligase family member 1; minus strand). Cytogenetic location: 15q22.31.
Variant type: single nucleotide variant.
Coding change: c.2116A>G on transcript NM_003922.4 (MANE Select); coding-DNA position 2116, A replaced by G.
Protein change: p.Ile706Val; replaces isoleucine 706 with valine.
Molecular consequence: missense variant.
Genome position (GRCh38, 1-based): chr15:63,749,470, T>C on the plus strand (A>G on the coding strand, the complement: HERC1 is on the minus strand). VCF-style: chr15-63749470-T-C. GRCh37 (hg19) VCF-style: chr15-64041669-T-C.
Other names: short protein forms I706V.
Identifiers: ClinVar variation 1218663 (VCV001218663.5), dbSNP rs760868686, ClinGen allele CA272105514.